The following is an entry in ClinVar:

ClinVar aggregate classification (germline): Uncertain significance (1 of 4 stars; one submission).

Conditions:
Lafora disease. Also called: Epilepsy progressive myoclonic 2; Progressive Myoclonus Epilepsy, Lafora Type. Identifiers: Orphanet 501, MedGen C0751783, MONDO:0009697.

Submission:

Labcorp Genetics (formerly Invitae), Labcorp
Classification: Uncertain significance for Lafora disease. Last evaluated: 2021-03-28. Review status: criteria provided, single submitter. Criteria: Invitae Variant Classification Sherloc (09022015). Collection method: clinical testing. Allele origin: germline.
Comment: This variant has not been reported in the literature in individuals with NHLRC1-related conditions. This variant is not present in population databases (ExAC no frequency). This sequence change replaces alanine with glycine at codon 106 of the NHLRC1 protein (p.Ala106Gly). The alanine residue is moderately conserved and there is a small physicochemical difference between alanine and glycine. Algorithms developed to predict the effect of missense changes on protein structure and function (SIFT, PolyPhen-2, Align-GVGD) all suggest that this variant is likely to be tolerated, but these predictions have not been confirmed by published functional studies and their clinical significance is uncertain. In summary, the available evidence is currently insufficient to determine the role of this variant in disease. Therefore, it has been classified as a Variant of Uncertain Significance.

NM_198586.3(NHLRC1):c.317C>G (p.Ala106Gly)

Gene: NHLRC1 (NHL repeat containing E3 ubiquitin protein ligase 1; minus strand). Cytogenetic location: 6p22.3.
Variant type: single nucleotide variant.
Coding change: c.317C>G on transcript NM_198586.3 (MANE Select); coding-DNA position 317, C replaced by G.
Protein change: p.Ala106Gly; replaces alanine 106 with glycine.
Molecular consequence: missense variant.
Genome position (GRCh38, 1-based): chr6:18,122,290, G>C on the plus strand (C>G on the coding strand, the complement: NHLRC1 is on the minus strand). VCF-style: chr6-18122290-G-C. GRCh37 (hg19) VCF-style: chr6-18122521-G-C.
Other names: short protein forms A106G.
Identifiers: ClinVar variation 1417664 (VCV001417664.8), dbSNP rs1255416149, ClinGen allele CA362828861.